The following is an entry in ClinVar:

NM_004260.4(RECQL4):c.2044A>G (p.Arg682Gly)

Gene: RECQL4 (RecQ like helicase 4; minus strand). Cytogenetic location: 8q24.3.
Variant type: single nucleotide variant.
Coding change: c.2044A>G on transcript NM_004260.4 (MANE Select); coding-DNA position 2044, A replaced by G.
Protein change: p.Arg682Gly; replaces arginine 682 with glycine.
Molecular consequence: missense variant.
Genome position (GRCh38, 1-based): chr8:144,513,942, T>C on the plus strand (A>G on the coding strand, the complement: RECQL4 is on the minus strand). VCF-style: chr8-144513942-T-C. GRCh37 (hg19) VCF-style: chr8-145739326-T-C.
Other names: short protein forms R682G.
Identifiers: ClinVar variation 642024 (VCV000642024.9), dbSNP rs1455596790, ClinGen allele CA372680249.

ClinVar aggregate classification (germline): Uncertain significance. Review status: criteria provided, multiple submitters, no conflicts (2 of 4 stars). 3 submissions from 3 submitters: Uncertain significance (3). Last evaluated 2025-05-12.

Conditions:
Baller-Gerold syndrome (BGS). Also called: CRANIOSYNOSTOSIS WITH RADIAL DEFECTS. Identifiers: Orphanet 1225, MedGen C0265308, MONDO:0009039, OMIM 218600.
Inborn genetic diseases. Identifiers: MedGen C0950123, MeSH D030342.

Allele frequency attached by ClinVar (database versions not stated): gnomAD exomes 0.00001; TOPMed 0.00002.
gnomAD v4.1: 9 of 1,553,184 alleles (0.00058%); highest among the groups gnomAD compares: South Asian, 0.0012%; no homozygotes.

Submissions (3):

Labcorp Genetics (formerly Invitae), Labcorp
Classification: Uncertain significance for Baller-Gerold syndrome. Last evaluated: 2025-05-12. Review status: criteria provided, single submitter. Criteria: Invitae Variant Classification Sherloc (09022015). Collection method: clinical testing. Allele origin: germline.
Comment: This sequence change replaces arginine, which is basic and polar, with glycine, which is neutral and non-polar, at codon 682 of the RECQL4 protein (p.Arg682Gly). This variant is not present in population databases (gnomAD no frequency). This variant has not been reported in the literature in individuals affected with RECQL4-related conditions. ClinVar contains an entry for this variant (Variation ID: 642024). Invitae Evidence Modeling of protein sequence and biophysical properties (such as structural, functional, and spatial information, amino acid conservation, physicochemical variation, residue mobility, and thermodynamic stability) indicates that this missense variant is not expected to disrupt RECQL4 protein function with a negative predictive value of 80%. In summary, the available evidence is currently insufficient to determine the role of this variant in disease. Therefore, it has been classified as a Variant of Uncertain Significance.

Ambry Genetics
Classification: Uncertain significance for Inborn genetic diseases. Last evaluated: 2025-01-02. Review status: criteria provided, single submitter. Criteria: Ambry Variant Classification Scheme 2023. Collection method: clinical testing. Allele origin: germline.
Comment: The p.R682G variant (also known as c.2044A>G), located in coding exon 12 of the RECQL4 gene, results from an A to G substitution at nucleotide position 2044. The arginine at codon 682 is replaced by glycine, an amino acid with dissimilar properties. This amino acid position is conserved. In addition, the in silico prediction for this alteration is inconclusive. Based on the available evidence, the clinical significance of this variant remains unclear.

Institute for Clinical Genetics, University Hospital TU Dresden, University Hospital TU Dresden
Classification: Uncertain significance. Last evaluated: 2021-11-03. Review status: criteria provided, single submitter. Criteria: ACMG Guidelines, 2015. Collection method: clinical testing. Allele origin: germline.